The following is an entry in ClinVar:

NM_138554.5(TLR4):c.1487G>A (p.Arg496Lys)

Gene: TLR4 (toll like receptor 4; plus strand). Cytogenetic location: 9q33.1.
Variant type: single nucleotide variant.
Coding change: c.1487G>A on transcript NM_138554.5 (MANE Select); coding-DNA position 1487, G replaced by A.
Protein change: p.Arg496Lys; replaces arginine 496 with lysine.
Molecular consequence: missense variant.
Genome position (GRCh38, 1-based): chr9:117,713,615, G>A. VCF-style: chr9-117713615-G-A. GRCh37 (hg19) VCF-style: chr9-120475893-G-A.
Other names: c.1367G>A, p.Arg456Lys (NM_003266.4); c.887G>A, p.Arg296Lys (NM_138557.3); short protein forms R296K, R456K, R496K.
Identifiers: ClinVar variation 3389058 (VCV003389058.14).

ClinVar aggregate classification (germline): Uncertain significance (1 of 4 stars; one submission).

Submission:

CeGaT Center for Human Genetics Tuebingen
Classification: Uncertain significance. Last evaluated: 2024-10-01. Review status: criteria provided, single submitter. Criteria: CeGaT Center For Human Genetics Tuebingen Variant Classification Criteria Version 2. Collection method: clinical testing. Allele origin: germline. Affected: yes. Observed: 1 variant allele.
Comment: TLR4: PM2, BP4